The following is an entry in ClinVar:

NM_018297.4(NGLY1):c.1114A>G (p.Lys372Glu)

Gene: NGLY1 (N-glycanase 1; minus strand). Cytogenetic location: 3p24.2.
Variant type: single nucleotide variant.
Coding change: c.1114A>G on transcript NM_018297.4 (MANE Select); coding-DNA position 1114, A replaced by G.
Protein change: p.Lys372Glu; replaces lysine 372 with glutamic acid.
Molecular consequence: missense variant. On other transcripts: intron variant (1).
Genome position (GRCh38, 1-based): chr3:25,736,039, T>C on the plus strand (A>G on the coding strand, the complement: NGLY1 is on the minus strand). VCF-style: chr3-25736039-T-C. GRCh37 (hg19) VCF-style: chr3-25777530-T-C.
Other names: c.988A>G, p.Lys330Glu (NM_001145294.2); c.1114A>G, p.Lys372Glu (NM_001145295.2); c.1095+270A>G (NM_001145293.2); short protein forms K330E, K372E.
Identifiers: ClinVar variation 1721904 (VCV001721904.3), dbSNP rs750369123, ClinGen allele CA351900785.

ClinVar aggregate classification (germline): Uncertain significance (1 of 4 stars; one submission).

Conditions:
Congenital disorder of deglycosylation (CDDG). Identifiers: MedGen C3808991, MONDO:0031376.

Submission:

Labcorp Genetics (formerly Invitae), Labcorp
Classification: Uncertain significance for Congenital disorder of deglycosylation. Last evaluated: 2022-07-21. Review status: criteria provided, single submitter. Criteria: Invitae Variant Classification Sherloc (09022015). Collection method: clinical testing. Allele origin: germline.
Comment: This sequence change replaces lysine, which is basic and polar, with glutamic acid, which is acidic and polar, at codon 372 of the NGLY1 protein (p.Lys372Glu). This variant is not present in population databases (gnomAD no frequency). This variant has not been reported in the literature in individuals affected with NGLY1-related conditions. Algorithms developed to predict the effect of missense changes on protein structure and function (SIFT, PolyPhen-2, Align-GVGD) all suggest that this variant is likely to be tolerated. In summary, the available evidence is currently insufficient to determine the role of this variant in disease. Therefore, it has been classified as a Variant of Uncertain Significance.